The following is an entry in ClinVar:

NM_000433.4(NCF2):c.623_624del (p.Val208fs)

Gene: NCF2 (neutrophil cytosolic factor 2; minus strand). Cytogenetic location: 1q25.3.
Variant type: Microsatellite.
Coding change: c.623_624del on transcript NM_000433.4 (MANE Select); coding-DNA positions 623 to 624, 2 bases deleted (TG; older notation c.623_624delTG).
Protein change: p.Val208fs; shifts the reading frame from valine 208.
Molecular consequence: frameshift variant.
Genome position (GRCh38, 1-based): chr1:183,570,825-183,570,826, CA deleted on the plus strand (TG on the coding strand, the reverse complement: NCF2 is on the minus strand); deleting any 2 consecutive bases within chr1:183,570,825-183,570,828 gives the same sequence; the c. name uses the placement nearest the transcript's 3' end. VCF-style (leftmost placement, unchanged base first): chr1-183570824-CCA-C. GRCh37 (hg19) VCF-style: chr1-183539959-CCA-C.
Other names: c.623_624del, p.Val208fs (NM_001127651.3); c.380_381del, p.Val127fs (NM_001190789.2); c.488_489del, p.Val163fs (NM_001190794.2); c.515_516del, p.Val172fs (NM_001410895.1); c.623_624delTG (NM_000433.4); short protein forms V127fs, V163fs, V172fs, V208fs.
Identifiers: ClinVar variation 3063912 (VCV003063912.1), dbSNP rs2527946248, ClinGen allele CA2740090423.

ClinVar aggregate classification (germline): Pathogenic (1 of 4 stars; one submission).

Conditions:
Chronic granulomatous disease. Identifiers: Orphanet 379, MedGen C0018203, MONDO:0018305.

Submission:

Women's Health and Genetics/Laboratory Corporation of America, LabCorp
Classification: Pathogenic for Chronic granulomatous disease. Last evaluated: 2024-01-15. Review status: criteria provided, single submitter. Criteria: LabCorp Variant Classification Summary - May 2015. Collection method: clinical testing. Allele origin: germline.
Comment: Variant summary: NCF2 c.623_624delTG (p.Val208GlyfsX18) results in a premature termination codon, predicted to cause a truncation of the encoded protein or absence of the protein due to nonsense mediated decay, which are commonly known mechanisms for disease. The variant was absent in 251462 control chromosomes (gnomAD). To our knowledge, no occurrence of c.623_624delTG in individuals affected with Chronic Granulomatous Disease and no experimental evidence demonstrating its impact on protein function have been reported. No submitters have reported clinical-significance assessments for this variant to ClinVar. Based on the evidence outlined above, the variant was classified as pathogenic.